The following is an entry in ClinVar:

NM_020921.4(NIN):c.3268A>G (p.Arg1090Gly)

Gene: NIN (ninein; minus strand). Cytogenetic location: 14q22.1.
Variant type: single nucleotide variant.
Coding change: c.3268A>G on transcript NM_020921.4 (MANE Select); coding-DNA position 3268, A replaced by G.
Protein change: p.Arg1090Gly; replaces arginine 1090 with glycine.
Molecular consequence: missense variant. On other transcripts: intron variant (1).
Genome position (GRCh38, 1-based): chr14:50,757,762, T>C on the plus strand (A>G on the coding strand, the complement: NIN is on the minus strand). VCF-style: chr14-50757762-T-C. GRCh37 (hg19) VCF-style: chr14-51224480-T-C.
Other names: c.3268A>G, p.Arg1090Gly (NM_182944.3, NM_182946.2); c.2399+2095A>G (NM_016350.5); short protein forms R1090G.
Identifiers: ClinVar variation 1899586 (VCV001899586.5), dbSNP rs752174270, ClinGen allele CA7181773.

ClinVar aggregate classification (germline): Uncertain significance (1 of 4 stars; one submission).

Allele frequency attached by ClinVar (database versions not stated): gnomAD exomes 0.00001; ExAC 0.00002; TOPMed 0.00002; gnomAD 0.00005.
gnomAD v4.1: 17 of 1,614,104 alleles (0.0011%); highest among the groups gnomAD compares: African/African-American, 0.016%; no homozygotes.

Submission:

Labcorp Genetics (formerly Invitae), Labcorp
Classification: Uncertain significance. Last evaluated: 2024-07-30. Review status: criteria provided, single submitter. Criteria: Invitae Variant Classification Sherloc (09022015). Collection method: clinical testing. Allele origin: germline.
Comment: This sequence change replaces arginine, which is basic and polar, with glycine, which is neutral and non-polar, at codon 1090 of the NIN protein (p.Arg1090Gly). This variant is present in population databases (rs752174270, gnomAD 0.02%). This variant has not been reported in the literature in individuals affected with NIN-related conditions. ClinVar contains an entry for this variant (Variation ID: 1899586). An algorithm developed to predict the effect of missense changes on protein structure and function (PolyPhen-2) suggests that this variant is likely to be tolerated. In summary, the available evidence is currently insufficient to determine the role of this variant in disease. Therefore, it has been classified as a Variant of Uncertain Significance.